The following is an entry in ClinVar:

NM_001099922.3(ALG13):c.1712G>A (p.Gly571Asp)

Gene: ALG13 (ALG13 UDP-N-acetylglucosaminyltransferase subunit; plus strand). Cytogenetic location: Xq23.
Variant type: single nucleotide variant.
Coding change: c.1712G>A on transcript NM_001099922.3 (MANE Select); coding-DNA position 1712, G replaced by A.
Protein change: p.Gly571Asp; replaces glycine 571 with aspartic acid.
Molecular consequence: missense variant. On other transcripts: non-coding transcript variant (1).
Genome position (GRCh38, 1-based): chrX:111,725,044, G>A. VCF-style: chrX-111725044-G-A. GRCh37 (hg19) VCF-style: chrX-110968272-G-A.
Other names: c.1400G>A, p.Gly467Asp (NM_001257230.2, NM_001257234.2, NM_001257237.2); c.1478G>A, p.Gly493Asp (NM_001257231.2); c.1712G>A, p.Gly571Asp (NM_001324292.2); c.1226G>A, p.Gly409Asp (NM_001324293.1); short protein forms G409D, G467D, G493D, G571D.
Identifiers: ClinVar variation 1304622 (VCV001304622.2), dbSNP rs2148191483, ClinGen allele CA414252363.

ClinVar aggregate classification (germline): Uncertain significance (1 of 4 stars; one submission).

Submission:

GeneDx
Classification: Uncertain significance. Last evaluated: 2019-04-19. Review status: criteria provided, single submitter. Criteria: GeneDx Variant Classification Process June 2021. Collection method: clinical testing. Allele origin: germline. Affected: yes.
Comment: Has not been previously published as pathogenic or benign to our knowledge; Not observed in large population cohorts (Lek et al., 2016); In silico analysis, which includes protein predictors and evolutionary conservation, supports a deleterious effect